The following is an entry in ClinVar:

ClinVar aggregate classification (germline): Uncertain significance (1 of 4 stars; one submission).

Submission:

Labcorp Genetics (formerly Invitae), Labcorp
Classification: Uncertain significance. Last evaluated: 2021-04-03. Review status: criteria provided, single submitter. Criteria: Invitae Variant Classification Sherloc (09022015). Collection method: clinical testing. Allele origin: germline.
Comment: In summary, the available evidence is currently insufficient to determine the role of this variant in disease. Therefore, it has been classified as a Variant of Uncertain Significance. Algorithms developed to predict the effect of missense changes on protein structure and function are either unavailable or do not agree on the potential impact of this missense change (SIFT: "Deleterious"; PolyPhen-2: "Probably Damaging"; Align-GVGD: "Class C0"). This sequence change replaces alanine with threonine at codon 853 of the ROBO1 protein (p.Ala853Thr). The alanine residue is highly conserved and there is a small physicochemical difference between alanine and threonine. This variant is not present in population databases (ExAC no frequency). This variant has not been reported in the literature in individuals with ROBO1-related conditions.

NM_002941.4(ROBO1):c.2557G>A (p.Ala853Thr)

Gene: ROBO1 (roundabout guidance receptor 1; minus strand). Cytogenetic location: 3p12.3.
Variant type: single nucleotide variant.
Coding change: c.2557G>A on transcript NM_002941.4 (MANE Select); coding-DNA position 2557, G replaced by A.
Protein change: p.Ala853Thr; replaces alanine 853 with threonine.
Molecular consequence: missense variant.
Genome position (GRCh38, 1-based): chr3:78,657,155, C>T on the plus strand (G>A on the coding strand, the complement: ROBO1 is on the minus strand). VCF-style: chr3-78657155-C-T. GRCh37 (hg19) VCF-style: chr3-78706305-C-T.
Other names: c.2449G>A, p.Ala817Thr (NM_001145845.2, NM_133631.4); short protein forms A853T, A817T.
Identifiers: ClinVar variation 1383547 (VCV001383547.8), dbSNP rs2107647460, ClinGen allele CA353660560.
Genomic context (GRCh38, chr3:78,657,155, plus strand): 5'-CACCCAGCTGGATGAACTGAGGCTCACTCTTTACCCCAGACCCAGCCCCAGTGCTGGCTG[C>T]CACTTCCACACTGTATCGGATTCCAGGAACAAGAAAGGGAATGACCACGGAAAAGGTGGA-3'
Protein context (NP_002932.1, residues 843-863): VPGIRYSVEV[Ala853Thr]ASTGAGSGVK